The following is an entry in ClinVar:

ClinVar aggregate classification (germline): Pathogenic (1 of 4 stars; one submission).

Submission:

Labcorp Genetics (formerly Invitae), Labcorp
Classification: Pathogenic. Last evaluated: 2023-08-07. Review status: criteria provided, single submitter. Criteria: Invitae Variant Classification Sherloc (09022015). Collection method: clinical testing. Allele origin: germline.
Comment: This sequence change creates a premature translational stop signal (p.Lys83*) in the NTHL1 gene. It is expected to result in an absent or disrupted protein product. Loss-of-function variants in NTHL1 are known to be pathogenic (PMID: 25938944, 26559593). This variant is not present in population databases (gnomAD no frequency). This variant has not been reported in the literature in individuals affected with NTHL1-related conditions. For these reasons, this variant has been classified as Pathogenic.

Literature cited by the submitters: PubMed 25938944; PubMed 26559593.

NM_002528.7(NTHL1):c.223A>T (p.Lys75Ter)

Gene: NTHL1 (nth like DNA glycosylase 1; minus strand). Cytogenetic location: 16p13.3.
Variant type: single nucleotide variant.
Coding change: c.223A>T on transcript NM_002528.7 (MANE Select); coding-DNA position 223, A replaced by T.
Protein change: p.Lys75Ter; replaces lysine 75 with a stop codon.
Molecular consequence: nonsense. On other transcripts: intron variant (1).
Genome position (GRCh38, 1-based): chr16:2,046,259, T>A on the plus strand (A>T on the coding strand, the complement: NTHL1 is on the minus strand). VCF-style: chr16-2046259-T-A. GRCh37 (hg19) VCF-style: chr16-2096260-T-A.
Other names: c.223A>T, p.Lys75Ter (NM_001318193.2); c.24+21A>T (NM_001318194.2); short protein forms K75*.
Identifiers: ClinVar variation 2750806 (VCV002750806.3), dbSNP rs2548320449, ClinGen allele CA394297383.
Genomic context (GRCh38, chr16:2,046,259, plus strand): 5'-TCATGGCACGGATGTTGACCAGCTGTTGCTGCCAGTCCTGGGGCTCCCAGACTGGCACCT[T>A]GAGGGGCTCAGCCCCCTCACCTTTCTCACTGTCCGAGCCCTCATAGGCCACACGCAGTCT-3'